The following is an entry in ClinVar:

ClinVar aggregate classification (germline): Benign/Likely benign. Review status: criteria provided, multiple submitters, no conflicts (2 of 4 stars). 5 submissions from 5 submitters: Benign (1); Likely benign (1). 3 of the submissions do not count toward it. Last evaluated 2025-11-01.

Allele frequency attached by ClinVar (database versions not stated): 1000 Genomes Project 0.00080; gnomAD 0.00136 and 0.00145; 1000 Genomes Project 30x 0.00078; ESP Exome Variant Server 0.00100; gnomAD exomes 0.00015 and 0.00034; ExAC 0.00042; TOPMed 0.00163.
gnomAD v4.1: 434 of 1,612,222 alleles (0.027%); highest among the groups gnomAD compares: African/African-American, 0.51%; 1 homozygote.

Submissions (5):

CeGaT Center for Human Genetics Tuebingen
Classification: Likely benign. Last evaluated: 2025-11-01. Review status: criteria provided, single submitter. Criteria: CeGaT Center For Human Genetics Tuebingen Variant Classification Criteria Version 2. Collection method: clinical testing. Allele origin: germline. Affected: yes. Observed: 1 variant allele.
Comment: GNAS: BS1

Labcorp Genetics (formerly Invitae), Labcorp
Classification: Benign. Last evaluated: 2024-01-18. Review status: criteria provided, single submitter. Criteria: Invitae Variant Classification Sherloc (09022015). Collection method: clinical testing. Allele origin: germline.

ITMI
No classification provided. Condition: AllHighlyPenetrant. Last evaluated: 2013-09-19. Review status: no classification provided. Collection method: reference population. Allele origin: germline. Not counted in ClinVar's aggregate classification.
Comment: Please see associated publication for description of ethnicities

Clinical Genetics DNA and cytogenetics Diagnostics Lab, Erasmus MC, Erasmus Medical Center
Classification: Likely benign. Review status: no assertion criteria provided. Collection method: clinical testing. Allele origin: germline. Affected: yes. Study: VKGL Data-share Consensus. Not counted in ClinVar's aggregate classification.

Clinical Genetics, Academic Medical Center
Classification: Likely benign. Review status: no assertion criteria provided. Collection method: clinical testing. Allele origin: germline. Affected: yes. Study: VKGL Data-share Consensus. Not counted in ClinVar's aggregate classification.

Literature cited by the submitters: PubMed 24728327 (cited by ITMI).

NM_080425.4(GNAS):c.196G>A (p.Glu66Lys)

Gene: GNAS (GNAS complex locus; plus strand). Cytogenetic location: 20q13.32.
Variant type: single nucleotide variant.
Coding change: c.196G>A on transcript NM_080425.4 (MANE Plus Clinical); coding-DNA position 196, G replaced by A.
Protein change: p.Glu66Lys; replaces glutamic acid 66 with lysine.
Molecular consequence: missense variant. On other transcripts: synonymous variant (2), intron variant (3).
Genome position (GRCh38, 1-based): chr20:58,853,461, G>A. VCF-style: chr20-58853461-G-A. GRCh37 (hg19) VCF-style: chr20-57428516-G-A.
Other names: c.9G>A, p.Ala3= (NM_001077490.3, NM_001309883.1); c.196G>A, p.Glu66Lys (NM_001410913.1); c.*42+12575G>A (NM_016592.5); c.43+12575G>A (NM_001410912.1); c.-39+11586G>A (NM_001309861.2); short protein forms E66K.
Identifiers: ClinVar variation 134498 (VCV000134498.14), dbSNP rs200924357, ClinGen allele CA159977.